The following is an entry in ClinVar:

NM_001330311.2(DVL1):c.1463C>T (p.Thr488Ile)

Gene: DVL1 (dishevelled segment polarity protein 1; minus strand). Cytogenetic location: 1p36.33.
Variant type: single nucleotide variant.
Coding change: c.1463C>T on transcript NM_001330311.2 (MANE Select); coding-DNA position 1463, C replaced by T.
Protein change: p.Thr488Ile; replaces threonine 488 with isoleucine.
Molecular consequence: missense variant.
Genome position (GRCh38, 1-based): chr1:1,338,313, G>A on the plus strand (C>T on the coding strand, the complement: DVL1 is on the minus strand). VCF-style: chr1-1338313-G-A. GRCh37 (hg19) VCF-style: chr1-1273693-G-A.
Other names: c.1388C>T, p.Thr463Ile (NM_004421.3); short protein forms T463I, T488I.
Identifiers: ClinVar variation 3610512 (VCV003610512.2).
Genomic context (GRCh38, chr1:1,338,313, plus strand): 5'-CGAAGCCCCCACTCACTGCTGCAGAGATCCCCGAAGACGTAGTAGCACTGCTCGGAGAAG[G>A]TGATCTTGTTGACCGTGTGCCGCAGGAAGCCGTGCTTCAGCAAGCTGCTGGCGTACTTCC-3'
Protein context (NP_001317240.1, residues 478-498): GFLRHTVNKI[Thr488Ile]FSEQCYYVFG

ClinVar aggregate classification (germline): Uncertain significance (1 of 4 stars; one submission).

Submission:

Labcorp Genetics (formerly Invitae), Labcorp
Classification: Uncertain significance. Last evaluated: 2024-11-11. Review status: criteria provided, single submitter. Criteria: Invitae Variant Classification Sherloc (09022015). Collection method: clinical testing. Allele origin: germline.
Comment: This sequence change replaces threonine, which is neutral and polar, with isoleucine, which is neutral and non-polar, at codon 463 of the DVL1 protein (p.Thr463Ile). This variant is present in population databases (no rsID available, gnomAD 0.003%). This variant has not been reported in the literature in individuals affected with DVL1-related conditions. Invitae Evidence Modeling of protein sequence and biophysical properties (such as structural, functional, and spatial information, amino acid conservation, physicochemical variation, residue mobility, and thermodynamic stability) indicates that this missense variant is expected to disrupt DVL1 protein function with a positive predictive value of 80%. In summary, the available evidence is currently insufficient to determine the role of this variant in disease. Therefore, it has been classified as a Variant of Uncertain Significance.